The following is an entry in ClinVar:

ClinVar aggregate classification (germline): Uncertain significance (1 of 4 stars; one submission).

Submission:

Labcorp Genetics (formerly Invitae), Labcorp
Classification: Uncertain significance. Last evaluated: 2022-10-28. Review status: criteria provided, single submitter. Criteria: Invitae Variant Classification Sherloc (09022015). Collection method: clinical testing. Allele origin: germline.
Comment: In summary, the available evidence is currently insufficient to determine the role of this variant in disease. Therefore, it has been classified as a Variant of Uncertain Significance. Algorithms developed to predict the effect of missense changes on protein structure and function are either unavailable or do not agree on the potential impact of this missense change (SIFT: "Not Available"; PolyPhen-2: "Possibly Damaging"; Align-GVGD: "Not Available"). This variant has not been reported in the literature in individuals affected with RIPK1-related conditions. This variant is not present in population databases (gnomAD no frequency). This sequence change replaces threonine, which is neutral and polar, with isoleucine, which is neutral and non-polar, at codon 537 of the RIPK1 protein (p.Thr537Ile).

NM_001354930.2(RIPK1):c.1610C>T (p.Thr537Ile)

Gene: RIPK1 (receptor interacting serine/threonine kinase 1; plus strand). Cytogenetic location: 6p25.2.
Variant type: single nucleotide variant.
Coding change: c.1610C>T on transcript NM_001354930.2 (MANE Select); coding-DNA position 1610, C replaced by T.
Protein change: p.Thr537Ile; replaces threonine 537 with isoleucine.
Molecular consequence: missense variant.
Genome position (GRCh38, 1-based): chr6:3,110,836, C>T. VCF-style: chr6-3110836-C-T. GRCh37 (hg19) VCF-style: chr6-3111070-C-T.
Other names: c.1121C>T, p.Thr374Ile (NM_001317061.3, NM_001354932.2, NM_001354933.2 and 1 more transcripts); c.1472C>T, p.Thr491Ile (NM_001354931.2); c.1610C>T, p.Thr537Ile (NM_003804.6); short protein forms T374I, T491I, T537I.
Identifiers: ClinVar variation 2096380 (VCV002096380.4), dbSNP rs2533381991, ClinGen allele CA362576197.